The following is an entry in ClinVar:

ClinVar aggregate classification (germline): Uncertain significance. Review status: criteria provided, single submitter (1 of 4 stars). 2 submissions from 2 submitters: Uncertain significance (1). 1 of the submissions does not count toward it. Last evaluated 2017-12-20.

Conditions:
SLC27A5-related disorder. Also called: SLC27A5-related condition.

Allele frequency attached by ClinVar (database versions not stated): gnomAD exomes below 0.00001 and 0.00001.

Submissions (2):

Eurofins Ntd Llc (ga)
Classification: Uncertain significance. Last evaluated: 2017-12-20. Review status: criteria provided, single submitter. Criteria: EGL Classification Definitions 2015. Collection method: clinical testing. Allele origin: germline. Observed: 2 variant alleles, 2 heterozygotes.

PreventionGenetics, part of Exact Sciences
Classification: Uncertain significance for SLC27A5-related condition. Last evaluated: 2024-09-17. Review status: no assertion criteria provided. Collection method: clinical testing. Allele origin: germline. Not counted in ClinVar's aggregate classification.
Comment: The SLC27A5 c.973A>G variant is predicted to result in the amino acid substitution p.Thr325Ala. To our knowledge, this variant has not been reported in the literature. This variant is reported in 0.0099% of alleles in individuals of Ashkenazi Jewish descent in gnomAD. At this time, the clinical significance of this variant is uncertain due to the absence of conclusive functional and genetic evidence.

NM_012254.3(SLC27A5):c.973A>G (p.Thr325Ala)

Gene: SLC27A5 (solute carrier family 27 member 5; minus strand). Cytogenetic location: 19q13.43.
Variant type: single nucleotide variant.
Coding change: c.973A>G on transcript NM_012254.3 (MANE Select); coding-DNA position 973, A replaced by G.
Protein change: p.Thr325Ala; replaces threonine 325 with alanine.
Molecular consequence: missense variant.
Genome position (GRCh38, 1-based): chr19:58,509,931, T>C on the plus strand (A>G on the coding strand, the complement: SLC27A5 is on the minus strand). VCF-style: chr19-58509931-T-C. GRCh37 (hg19) VCF-style: chr19-59021298-T-C.
Other names: c.721A>G, p.Thr241Ala (NM_001321196.2); c.973A>G (NM_012254.2); short protein forms T325A, T241A.
Identifiers: ClinVar variation 498421 (VCV000498421.6), dbSNP rs1270425536, ClinGen allele CA407953109.